The following is an entry in ClinVar:

NM_018486.3(HDAC8):c.165-1G>A

Gene: HDAC8 (histone deacetylase 8; minus strand). Cytogenetic location: Xq13.1.
Variant type: single nucleotide variant.
Coding change: c.165-1G>A on transcript NM_018486.3 (MANE Select); the canonical splice acceptor site of the intron before coding-DNA position 165, G replaced by A.
Molecular consequence: splice acceptor variant. On other transcripts: intron variant (3).
Genome position (GRCh38, 1-based): chrX:72,568,885, C>T on the plus strand (G>A on the coding strand, the complement: HDAC8 is on the minus strand). VCF-style: chrX-72568885-C-T. GRCh37 (hg19) VCF-style: chrX-71788735-C-T.
Other names: c.164+3172G>A (NM_001166418.2, NM_001410728.1, NM_001166448.2); c.165-1G>A (NM_001441234.1, NM_001410727.1, NM_001410725.1 and 5 more transcripts).
Identifiers: ClinVar variation 4526865 (VCV004526865.1).

ClinVar aggregate classification (germline): Pathogenic (1 of 4 stars; one submission).

Conditions:
Cornelia de Lange syndrome 5 (CDLS5). Also called: HDAC8-Related Cornelia de Lange Syndrome. Identifiers: Orphanet 199, MedGen C3550903, MONDO:0010471, OMIM 300882.

Submission:

Medical Genetics Center, Maternal and Child Health Hospital of Hubei Province
Classification: Pathogenic for Cornelia de Lange syndrome 5. Last evaluated: 2024-01-20. Review status: criteria provided, single submitter. Criteria: ACMG Guidelines, 2015. Collection method: clinical testing. Allele origin: de novo. Affected: yes.
Comment: PVS1+PS2_Supporting+PM2_Supporting